The following is an entry in ClinVar:

NM_004371.4(COPA):c.298T>G (p.Phe100Val)

Gene: COPA (coat protein complex I subunit alpha; minus strand). Cytogenetic location: 1q23.2.
Variant type: single nucleotide variant.
Coding change: c.298T>G on transcript NM_004371.4 (MANE Select); coding-DNA position 298, T replaced by G.
Protein change: p.Phe100Val; replaces phenylalanine 100 with valine.
Molecular consequence: missense variant.
Genome position (GRCh38, 1-based): chr1:160,335,253, A>C on the plus strand (T>G on the coding strand, the complement: COPA is on the minus strand). VCF-style: chr1-160335253-A-C. GRCh37 (hg19) VCF-style: chr1-160305043-A-C.
Other names: c.298T>G, p.Phe100Val (NM_001098398.2); short protein forms F100V.
Identifiers: ClinVar variation 4755306 (VCV004755306.1).
Genomic context (GRCh38, chr1:160,335,253, plus strand): 5'-ATGGGGAAACTAAGAATGCTCCAAAACTAGCGCCACCATGACTACTTACATGATGAAAAA[A>C]CGTGGTGCGAATATAATCTAAGTGCCCAAGCAATGTGAAAAGACAGCGCCGAAGCTTGTA-3'
Protein context (NP_004362.2, residues 90-110): LGHLDYIRTT[Phe100Val]FHHEYPWILS

ClinVar aggregate classification (germline): Uncertain significance (1 of 4 stars; one submission).

Conditions:
Autoimmune interstitial lung disease-arthritis syndrome. Also called: Autoinflammation and autoimmunity, systemic, with immune dysregulation. Identifiers: Orphanet 444092, MedGen C5975714, MONDO:0014629.

Submission:

Labcorp Genetics (formerly Invitae), Labcorp
Classification: Uncertain significance for Autoimmune interstitial lung disease-arthritis syndrome. Last evaluated: 2025-04-11. Review status: criteria provided, single submitter. Criteria: Invitae Variant Classification Sherloc (09022015). Collection method: clinical testing. Allele origin: germline.
Comment: This sequence change replaces phenylalanine, which is neutral and non-polar, with valine, which is neutral and non-polar, at codon 100 of the COPA protein (p.Phe100Val). This variant is not present in population databases (gnomAD no frequency). This variant has not been reported in the literature in individuals affected with COPA-related conditions. Invitae Evidence Modeling of protein sequence and biophysical properties (such as structural, functional, and spatial information, amino acid conservation, physicochemical variation, residue mobility, and thermodynamic stability) indicates that this missense variant is not expected to disrupt COPA protein function with a negative predictive value of 80%. In summary, the available evidence is currently insufficient to determine the role of this variant in disease. Therefore, it has been classified as a Variant of Uncertain Significance.